The following is an entry in ClinVar:

ClinVar aggregate classification (germline): Pathogenic. Review status: criteria provided, multiple submitters, no conflicts (2 of 4 stars). 2 submissions from 2 submitters: Pathogenic (2). Last evaluated 2022-09-07.

Conditions:
Treacher Collins syndrome 1 (TCS1). Also called: TCOF1-Related Treacher Collins Syndrome. Identifiers: Orphanet 861, MedGen CN315775, MONDO:0007944, OMIM 154500.

Submissions (2):

Johns Hopkins Genomics, Johns Hopkins University
Classification: Pathogenic for Treacher Collins syndrome 1. Last evaluated: 2022-09-07. Review status: criteria provided, single submitter. Criteria: ACMG Guidelines, 2015. Collection method: clinical testing. Allele origin: germline.
Comment: This TCOF1 frameshift variant is absent from a large population dataset. It has been reported in ClinVar (Variation ID 1376566) but has not been reported in the literature, to our knowledge. This frameshift variant results in a premature stop codon in exon 17, likely leading to nonsense-mediated decay and lack of protein production. We consider c.2819_2822delACAG in TCOF1 to be pathogenic.

Labcorp Genetics (formerly Invitae), Labcorp
Classification: Pathogenic for Treacher Collins syndrome 1. Last evaluated: 2021-08-04. Review status: criteria provided, single submitter. Criteria: Invitae Variant Classification Sherloc (09022015). Collection method: clinical testing. Allele origin: germline.
Comment: For these reasons, this variant has been classified as Pathogenic. This variant has not been reported in the literature in individuals affected with TCOF1-related conditions. This variant is not present in population databases (ExAC no frequency). This sequence change creates a premature translational stop signal (p.Asp940Valfs*9) in the TCOF1 gene. It is expected to result in an absent or disrupted protein product. Loss-of-function variants in TCOF1 are known to be pathogenic (PMID: 8894686, 22317976).

Literature cited by the submitters: PubMed 8894686 (cited by Labcorp Genetics (formerly Invitae), Labcorp); PubMed 22317976 (cited by Labcorp Genetics (formerly Invitae), Labcorp).

NM_001371623.1(TCOF1):c.2819_2822del (p.Asp940fs)

Gene: TCOF1 (treacle ribosome biogenesis factor 1; plus strand). Cytogenetic location: 5q32.
Variant type: Deletion.
Coding change: c.2819_2822del on transcript NM_001371623.1 (MANE Select); coding-DNA positions 2819 to 2822, 4 bases deleted (ACAG; older notation c.2819_2822delACAG).
Protein change: p.Asp940fs; shifts the reading frame from aspartic acid 940.
Molecular consequence: frameshift variant.
Genome position (GRCh38, 1-based): chr5:150,379,692-150,379,695, ACAG deleted; deleting any 4 consecutive bases within chr5:150,379,689-150,379,695 gives the same sequence; the c. name uses the placement nearest the transcript's 3' end. VCF-style (leftmost placement, unchanged base first): chr5-150379688-TCAGA-T. GRCh37 (hg19) VCF-style: chr5-149759251-TCAGA-T.
Other names: c.2819_2822del, p.Asp940fs (NM_001135244.2, NM_001195141.2, NM_001008657.3 and 1 more transcripts); c.2588_2591del, p.Asp863fs (NM_001135245.2, NM_000356.4); short protein forms D863fs, D940fs.
Identifiers: ClinVar variation 1376566 (VCV001376566.7), dbSNP rs2150820128, ClinGen allele CA2573139301.
Genomic context (GRCh38, chr5:150,379,688, plus strand): 5'-ACAGGGCCTTCGGCTGCCCAGGCAGGGAAGCAGGATGACTCAGGGAGCAGCAGCGAGGAA[TCAGA>T]CAGTGATGGGGAGGCACCGGCAGCTGTGACCTCTGCCCAGGTAAGACTTGCCAGGCCTCT-3'